The following is an entry in ClinVar:

NM_182914.3(SYNE2):c.16775T>C (p.Ile5592Thr)

Gene: SYNE2 (spectrin repeat containing nuclear envelope protein 2; plus strand). Cytogenetic location: 14q23.2.
Variant type: single nucleotide variant.
Coding change: c.16775T>C on transcript NM_182914.3 (MANE Select); coding-DNA position 16775, T replaced by C.
Protein change: p.Ile5592Thr; replaces isoleucine 5592 with threonine.
Molecular consequence: missense variant.
Genome position (GRCh38, 1-based): chr14:64,167,509, T>C. VCF-style: chr14-64167509-T-C. GRCh37 (hg19) VCF-style: chr14-64634227-T-C.
Other names: c.16775T>C, p.Ile5592Thr (NM_015180.6); short protein forms I5592T.
Identifiers: ClinVar variation 1522293 (VCV001522293.7), dbSNP rs779437989, ClinGen allele CA7223503.

ClinVar aggregate classification (germline): Uncertain significance. Review status: criteria provided, multiple submitters, no conflicts (2 of 4 stars). 2 submissions from 2 submitters: Uncertain significance (2). Last evaluated 2021-08-12.

Conditions:
Emery-Dreifuss muscular dystrophy 5, autosomal dominant (EDMD5). Also called: EMERY-DREIFUSS MUSCULAR DYSTROPHY 5. Identifiers: Orphanet 261, MedGen C2751805, MONDO:0013072, OMIM 612999.

Allele frequency attached by ClinVar (database versions not stated): TOPMed below 0.00001; ExAC 0.00001; gnomAD exomes 0.00001.
gnomAD v4.1: 4 of 1,614,234 alleles (0.00025%); highest among the groups gnomAD compares: Non-Finnish European, 0.000085%; no homozygotes.

Submissions (2):

Labcorp Genetics (formerly Invitae), Labcorp
Classification: Uncertain significance for Emery-Dreifuss muscular dystrophy 5, autosomal dominant. Last evaluated: 2021-08-12. Review status: criteria provided, single submitter. Criteria: Invitae Variant Classification Sherloc (09022015). Collection method: clinical testing. Allele origin: germline.
Comment: In summary, the available evidence is currently insufficient to determine the role of this variant in disease. Therefore, it has been classified as a Variant of Uncertain Significance. Algorithms developed to predict the effect of missense changes on protein structure and function output the following: SIFT: "Tolerated"; PolyPhen-2: "Benign"; Align-GVGD: "Class C0". The threonine amino acid residue is found in multiple mammalian species, which suggests that this missense change does not adversely affect protein function. This variant has not been reported in the literature in individuals affected with SYNE2-related conditions. This variant is present in population databases (rs779437989, ExAC 0.001%). This sequence change replaces isoleucine with threonine at codon 5592 of the SYNE2 protein (p.Ile5592Thr). The isoleucine residue is weakly conserved and there is a moderate physicochemical difference between isoleucine and threonine.

Breakthrough Genomics
Classification: Uncertain significance. Review status: criteria provided, single submitter. Criteria: ACMG Guidelines, 2015. Collection method: not provided. Allele origin: germline. Inheritance: Autosomal dominant inheritance. Affected: yes.